The following is an entry in ClinVar:

ClinVar aggregate classification (germline): Pathogenic (1 of 4 stars; one submission).

Conditions:
Neurofibromatosis, type 1 (NF1). Also called: NEUROFIBROMATOSIS, TYPE I, SOMATIC; Peripheral type neurofibromatosis; Neurofibromatosis, type I; VON RECKLINGHAUSEN DISEASE. Identifiers: Orphanet 636, MedGen C0027831, MONDO:0018975, OMIM 162200. Disease mechanism: loss of function.

Submission:

Labcorp Genetics (formerly Invitae), Labcorp
Classification: Pathogenic for Neurofibromatosis, type 1. Last evaluated: 2025-04-08. Review status: criteria provided, single submitter. Criteria: Invitae Variant Classification Sherloc (09022015). Collection method: clinical testing. Allele origin: germline.
Comment: This sequence change creates a premature translational stop signal (p.Thr685Glnfs*14) in the NF1 gene. It is expected to result in an absent or disrupted protein product. Loss-of-function variants in NF1 are known to be pathogenic (PMID: 10712197, 23913538). This variant is not present in population databases (gnomAD no frequency). This variant has not been reported in the literature in individuals affected with NF1-related conditions. ClinVar contains an entry for this variant (Variation ID: 3724727). For these reasons, this variant has been classified as Pathogenic.

Literature cited by the submitters: PubMed 10712197; PubMed 23913538.

NM_001042492.3(NF1):c.2053_2054del (p.Thr685fs)

Gene: NF1 (neurofibromin 1; plus strand). Cytogenetic location: 17q11.2.
Variant type: Deletion.
Coding change: c.2053_2054del on transcript NM_001042492.3 (MANE Select); coding-DNA positions 2053 to 2054, 2 bases deleted (AC; older notation c.2053_2054delAC).
Protein change: p.Thr685fs; shifts the reading frame from threonine 685.
Molecular consequence: frameshift variant.
Genome position (GRCh38, 1-based): chr17:31,226,486-31,226,487, AC deleted. VCF-style (leftmost placement, unchanged base first): chr17-31226485-GAC-G. GRCh37 (hg19) VCF-style: chr17-29553503-GAC-G.
Other names: c.2053_2054delAC, p.Thr685Glnfs (NM_000267.4); short protein forms T685fs.
Identifiers: ClinVar variation 3724727 (VCV003724727.2).